The following is an entry in ClinVar:

ClinVar aggregate classification (germline): Uncertain significance. Review status: criteria provided, multiple submitters, no conflicts (2 of 4 stars). 3 submissions from 3 submitters: Uncertain significance (3). Last evaluated 2025-11-24.

Conditions:
Hereditary cancer-predisposing syndrome. Also called: Hereditary Cancer Syndrome; Hereditary neoplastic syndrome; Neoplastic Syndromes, Hereditary; Tumor predisposition. Identifiers: Orphanet 140162, MedGen C0027672, MeSH D009386, MONDO:0015356.

Allele frequency attached by ClinVar (database versions not stated): gnomAD exomes 0.00001 and 0.00002; ExAC 0.00002; gnomAD 0.00002; TOPMed 0.00005.

Submissions (3):

Labcorp Genetics (formerly Invitae), Labcorp
Classification: Uncertain significance. Last evaluated: 2025-11-24. Review status: criteria provided, single submitter. Criteria: Invitae Variant Classification Sherloc (09022015). Collection method: clinical testing. Allele origin: germline.
Comment: This sequence change replaces valine, which is neutral and non-polar, with methionine, which is neutral and non-polar, at codon 1368 of the POLE protein (p.Val1368Met). This variant is present in population databases (rs770558983, gnomAD 0.02%). This variant has not been reported in the literature in individuals affected with POLE-related conditions. ClinVar contains an entry for this variant (Variation ID: 405650). Invitae Evidence Modeling of protein sequence and biophysical properties (such as structural, functional, and spatial information, amino acid conservation, physicochemical variation, residue mobility, and thermodynamic stability) indicates that this missense variant is not expected to disrupt POLE protein function with a negative predictive value of 80%. In summary, the available evidence is currently insufficient to determine the role of this variant in disease. Therefore, it has been classified as a Variant of Uncertain Significance.

GeneDx
Classification: Uncertain significance. Last evaluated: 2025-03-14. Review status: criteria provided, single submitter. Criteria: GeneDx Variant Classification Process June 2021. Collection method: clinical testing. Allele origin: germline. Affected: yes.
Comment: In silico analysis supports that this missense variant has a deleterious effect on protein structure/function; Has not been previously published as pathogenic or benign to our knowledge; This variant is associated with the following publications: (PMID: 23263490, 25228659, 35274726)

Ambry Genetics
Classification: Uncertain significance for Hereditary cancer-predisposing syndrome. Last evaluated: 2025-01-03. Review status: criteria provided, single submitter. Criteria: Ambry Variant Classification Scheme 2023. Collection method: clinical testing. Allele origin: germline.
Comment: The p.V1368M variant (also known as c.4102G>A), located in coding exon 32 of the POLE gene, results from a G to A substitution at nucleotide position 4102. The valine at codon 1368 is replaced by methionine, an amino acid with highly similar properties. This amino acid position is highly conserved in available vertebrate species. In addition, the in silico prediction for this alteration is inconclusive. Based on the available evidence, the clinical significance of this variant remains unclear.

NM_006231.4(POLE):c.4102G>A (p.Val1368Met)

Gene: POLE (DNA polymerase epsilon, catalytic subunit; minus strand). Cytogenetic location: 12q24.33.
Variant type: single nucleotide variant.
Coding change: c.4102G>A on transcript NM_006231.4 (MANE Select); coding-DNA position 4102, G replaced by A.
Protein change: p.Val1368Met; replaces valine 1368 with methionine.
Molecular consequence: missense variant.
Genome position (GRCh38, 1-based): chr12:132,648,976, C>T on the plus strand (G>A on the coding strand, the complement: POLE is on the minus strand). VCF-style: chr12-132648976-C-T. GRCh37 (hg19) VCF-style: chr12-133225562-C-T.
Other names: short protein forms V1368M.
Identifiers: ClinVar variation 405650 (VCV000405650.19), dbSNP rs770558983, ClinGen allele CA6893000.